The following is an entry in ClinVar:

NM_020223.4(FAM20C):c.956+28_956+29insTGACAGGTGAGCCCTTCCTTCCTCCCTCCATCCG

Gene: FAM20C (FAM20C golgi associated secretory pathway kinase; plus strand). Cytogenetic location: 7p22.3.
Variant type: Insertion.
Coding change: c.956+28_956+29insTGACAGGTGAGCCCTTCCTTCCTCCCTCCATCCG on transcript NM_020223.4 (MANE Select); bases 28 to 29 of the intron after coding-DNA position 956, TGACAGGTGAGCCCTTCCTTCCTCCCTCCATCCG inserted.
Molecular consequence: splice donor variant.
Genome position: GRCh38: chr7:246,535-246,536. GRCh37 (hg19): chr7:286,501-286,502.
Identifiers: ClinVar variation 1943958 (VCV001943958.5), dbSNP rs2534702656, ClinGen allele CA2564966467.
Genomic context (GRCh38, chr7:246,502, plus strand): 5'-TGACTTTTTTTATTTCTCTGACTACGAGAGGCACAATGCGGAGATTGCTGCCTTCCACCT[G>GGACAGGTGAGCCCTTCCTTCCTCCCTCCATCCGT]GACAGGTGAGCCCTTCCTTCCTCCCTCCATCCGCGCTCCCGTGCGCTCAGACCCACCGGT-3'

ClinVar aggregate classification (germline): Uncertain significance (1 of 4 stars; one submission).

Submission:

Labcorp Genetics (formerly Invitae), Labcorp
Classification: Uncertain significance. Last evaluated: 2022-10-13. Review status: criteria provided, single submitter. Criteria: Invitae Variant Classification Sherloc (09022015). Collection method: clinical testing. Allele origin: germline.
Comment: This variant is not present in population databases (gnomAD no frequency). This variant has not been reported in the literature in individuals affected with FAM20C-related conditions. Algorithms developed to predict the effect of sequence changes on RNA splicing suggest that this variant may disrupt the consensus splice site. In summary, the available evidence is currently insufficient to determine the role of this variant in disease. Therefore, it has been classified as a Variant of Uncertain Significance. This sequence change falls in intron 4 of the FAM20C gene. It does not directly change the encoded amino acid sequence of the FAM20C protein.